The following is an entry in ClinVar:

NM_001122955.4(BSCL2):c.1297G>A (p.Ala433Thr)

Genes: BSCL2 (BSCL2 lipid droplet biogenesis associated, seipin; minus strand), HNRNPUL2-BSCL2 (HNRNPUL2-BSCL2 readthrough (NMD candidate); minus strand). Cytogenetic location: 11q12.3.
Variant type: single nucleotide variant.
Coding change: c.1297G>A on transcript NM_001122955.4 (MANE Select); coding-DNA position 1297, G replaced by A.
Protein change: p.Ala433Thr; replaces alanine 433 with threonine.
Molecular consequence: missense variant. On other transcripts: non-coding transcript variant (1), 3 prime UTR variant (1).
Genome position (GRCh38, 1-based): chr11:62,690,459, C>T on the plus strand (G>A on the coding strand, the complement: BSCL2 is on the minus strand). VCF-style: chr11-62690459-C-T. GRCh37 (hg19) VCF-style: chr11-62457931-C-T.
Other names: c.*99G>A (NM_001130702.2); c.1303G>A, p.Ala435Thr (NM_001386027.1); c.1297G>A, p.Ala433Thr (NM_001386028.1); c.1105G>A, p.Ala369Thr (NM_032667.6); short protein forms A435T, A369T, A433T.
Identifiers: ClinVar variation 3652976 (VCV003652976.2).

ClinVar aggregate classification (germline): Uncertain significance (1 of 4 stars; one submission).

Conditions:
Charcot-Marie-Tooth disease type 2. Also called: Charcot-Marie-Tooth type 2. Identifiers: Orphanet 64746, MedGen C0270914, MONDO:0018993.

Submission:

Labcorp Genetics (formerly Invitae), Labcorp
Classification: Uncertain significance for Charcot-Marie-Tooth disease type 2. Last evaluated: 2024-05-10. Review status: criteria provided, single submitter. Criteria: Invitae Variant Classification Sherloc (09022015). Collection method: clinical testing. Allele origin: germline.
Comment: This sequence change replaces alanine, which is neutral and non-polar, with threonine, which is neutral and polar, at codon 369 of the BSCL2 protein (p.Ala369Thr). This variant is not present in population databases (gnomAD no frequency). This variant has not been reported in the literature in individuals affected with BSCL2-related conditions. Algorithms developed to predict the effect of missense changes on protein structure and function output the following: SIFT: "Not Available"; PolyPhen-2: "Benign"; Align-GVGD: "Not Available". The threonine amino acid residue is found in multiple mammalian species, which suggests that this missense change does not adversely affect protein function. In summary, the available evidence is currently insufficient to determine the role of this variant in disease. Therefore, it has been classified as a Variant of Uncertain Significance.